The following is an entry in ClinVar:

NM_001943.5(DSG2):c.2645A>C (p.Tyr882Ser)

Genes: DSG2 (desmoglein 2; plus strand), DSG2-AS1 (DSG2 antisense RNA 1; minus strand). Cytogenetic location: 18q12.1.
Variant type: single nucleotide variant.
Coding change: c.2645A>C on transcript NM_001943.5 (MANE Select); coding-DNA position 2645, A replaced by C.
Protein change: p.Tyr882Ser; replaces tyrosine 882 with serine.
Molecular consequence: missense variant.
Genome position (GRCh38, 1-based): chr18:31,546,031, A>C. VCF-style: chr18-31546031-A-C. GRCh37 (hg19) VCF-style: chr18-29125994-A-C.
Other names: c.2645A>C (LRG_397t1); short protein forms Y882S.
Identifiers: ClinVar variation 534680 (VCV000534680.8), dbSNP rs1555628211, ClinGen allele CA402145837.
Genomic context (GRCh38, chr18:31,546,031, plus strand): 5'-GTATGAACACAGCTTCACATTCACTCTGTGAGCAAACTATGGTTAATTCAGAGAATACCT[A>C]CTCCTCTGGCAGTAGCTTCCCAGTTCCAAAATCTTTGCAAGAAGCCAATGCAGAGAAAGT-3'
Protein context (NP_001934.2, residues 872-892): EQTMVNSENT[Tyr882Ser]SSGSSFPVPK

ClinVar aggregate classification (germline): Uncertain significance (1 of 4 stars; one submission).

Conditions:
Arrhythmogenic right ventricular dysplasia 10. Also called: Arrhythmogenic Right Ventricular Dysplasia/Cardiomyopathy10; ARRHYTHMOGENIC RIGHT VENTRICULAR DYSPLASIA, FAMILIAL, 10; Arrhythmogenic right ventricular dysplasia/cardiomyopathy, type 10. Identifiers: MedGen C1857777, MONDO:0012434, OMIM 610193.

Submission:

Labcorp Genetics (formerly Invitae), Labcorp
Classification: Uncertain significance for Arrhythmogenic right ventricular dysplasia 10. Last evaluated: 2017-12-05. Review status: criteria provided, single submitter. Criteria: Invitae Variant Classification Sherloc (09022015). Collection method: clinical testing. Allele origin: germline.
Comment: In summary, the available evidence is currently insufficient to determine the role of this variant in disease. Therefore, it has been classified as a Variant of Uncertain Significance. Algorithms developed to predict the effect of missense changes on protein structure and function output the following: SIFT: "Tolerated"; PolyPhen-2: "Benign"; Align-GVGD: "Class C0". The serine amino acid residue is found in multiple mammalian species, suggesting that this missense change does not adversely affect protein function. These predictions have not been confirmed by published functional studies and their clinical significance is uncertain. This variant has not been reported in the literature in individuals with DSG2-related disease. This variant is not present in population databases (ExAC no frequency). This sequence change replaces tyrosine with serine at codon 882 of the DSG2 protein (p.Tyr882Ser). The tyrosine residue is moderately conserved and there is a large physicochemical difference between tyrosine and serine.